The following is an entry in ClinVar:

NM_182977.3(NNT):c.1843A>C (p.Ser615Arg)

Gene: NNT (nicotinamide nucleotide transhydrogenase; plus strand). Cytogenetic location: 5p12.
Variant type: single nucleotide variant.
Coding change: c.1843A>C on transcript NM_182977.3 (MANE Select); coding-DNA position 1843, A replaced by C.
Protein change: p.Ser615Arg; replaces serine 615 with arginine.
Molecular consequence: missense variant.
Genome position (GRCh38, 1-based): chr5:43,651,864, A>C. VCF-style: chr5-43651864-A-C. GRCh37 (hg19) VCF-style: chr5-43651966-A-C.
Other names: c.1450A>C, p.Ser484Arg (NM_001331026.2); c.1843A>C, p.Ser615Arg (NM_012343.4); short protein forms S615R, S484R.
Identifiers: ClinVar variation 2148808 (VCV002148808.1), dbSNP rs1220550635, ClinGen allele CA359660400.

ClinVar aggregate classification (germline): Uncertain significance (1 of 4 stars; one submission).

gnomAD v4.1: 1 of 1,614,168 alleles (0.000062%); highest among the groups gnomAD compares: African/African-American, 0.0013%; no homozygotes.

Submission:

Labcorp Genetics (formerly Invitae), Labcorp
Classification: Uncertain significance. Last evaluated: 2022-08-18. Review status: criteria provided, single submitter. Criteria: Invitae Variant Classification Sherloc (09022015). Collection method: clinical testing. Allele origin: germline.
Comment: This sequence change replaces serine, which is neutral and polar, with arginine, which is basic and polar, at codon 615 of the NNT protein (p.Ser615Arg). This variant is not present in population databases (gnomAD no frequency). This variant has not been reported in the literature in individuals affected with NNT-related conditions. Algorithms developed to predict the effect of missense changes on protein structure and function (SIFT, PolyPhen-2, Align-GVGD) all suggest that this variant is likely to be tolerated. In summary, the available evidence is currently insufficient to determine the role of this variant in disease. Therefore, it has been classified as a Variant of Uncertain Significance.